The following is an entry in ClinVar:

NM_033159.4(HYAL1):c.1168C>T (p.Gln390Ter)

Gene: HYAL1 (hyaluronidase 1; minus strand). Cytogenetic location: 3p21.31.
Variant type: single nucleotide variant.
Coding change: c.1168C>T on transcript NM_033159.4 (MANE Select); coding-DNA position 1168, C replaced by T.
Protein change: p.Gln390Ter; replaces glutamine 390 with a stop codon.
Molecular consequence: nonsense. On other transcripts: non-coding transcript variant (1).
Genome position (GRCh38, 1-based): chr3:50,300,623, G>A on the plus strand (C>T on the coding strand, the complement: HYAL1 is on the minus strand). VCF-style: chr3-50300623-G-A. GRCh37 (hg19) VCF-style: chr3-50338054-G-A.
Other names: c.1168C>T, p.Gln390Ter (NM_153281.2); c.1078C>T, p.Gln360Ter (NM_153282.3); c.622C>T, p.Gln208Ter (NM_153283.3); c.391C>T, p.Gln131Ter (NM_153285.3); short protein forms Q131*, Q208*, Q360*, Q390*.
Identifiers: ClinVar variation 4816910 (VCV004816910.1).

ClinVar aggregate classification (germline): Likely pathogenic (1 of 4 stars; one submission).

Conditions:
Deficiency of hyaluronoglucosaminidase (MPS9). Also called: MPS IX; Mucopolysaccharidosis type 9; HYALURONIDASE DEFICIENCY. Identifiers: Orphanet 67041, MedGen C1291490, MONDO:0011093, OMIM 601492.

gnomAD v4.1: 1 of 1,614,192 alleles (0.000062%); highest among the groups gnomAD compares: Non-Finnish European, 0.000085%; no homozygotes.

Submission:

Natera, Inc.
Classification: Likely pathogenic for Mucopolysaccharidosis type IX. Last evaluated: 2024-04-02. Review status: criteria provided, single submitter. Criteria: Natera Variant Classification Schema (03/2026). Collection method: clinical testing. Allele origin: germline.
Comment: The c.1168C>T variant in HYAL1 is a nonsense variant predicted to introduce a stop codon at amino acid 390. This variant is expected to result in nonsense mediated decay, truncation, or a dysfunctional protein product. This variant is rare in the general population with a frequency below the threshold expected for the associated phenotype(s). Given the available evidence, this variant is classified as Likely Pathogenic.